The following is an entry in ClinVar:

ClinVar aggregate classification (germline): Pathogenic (1 of 4 stars; one submission).

Conditions:
Very long chain acyl-CoA dehydrogenase deficiency (ACADVLD). Also called: VLCAD Deficiency; Very Long-Chain Acyl-Coenzyme A Dehydrogenase Deficiency. Identifiers: Orphanet 26793, MedGen C3887523, MONDO:0008723, OMIM 201475.

Submission:

Labcorp Genetics (formerly Invitae), Labcorp
Classification: Pathogenic for Very long chain acyl-CoA dehydrogenase deficiency. Last evaluated: 2024-08-08. Review status: criteria provided, single submitter. Criteria: Invitae Variant Classification Sherloc (09022015). Collection method: clinical testing. Allele origin: germline.
Comment: This sequence change creates a premature translational stop signal (p.Lys204Serfs*13) in the ACADVL gene. It is expected to result in an absent or disrupted protein product. Loss-of-function variants in ACADVL are known to be pathogenic (PMID: 9973285, 11590124). This variant is not present in population databases (gnomAD no frequency). This variant has not been reported in the literature in individuals affected with ACADVL-related conditions. ClinVar contains an entry for this variant (Variation ID: 2099018). For these reasons, this variant has been classified as Pathogenic.

Literature cited by the submitters: PubMed 9973285; PubMed 11590124.

NM_000018.4(ACADVL):c.609del (p.Lys204fs)

Gene: ACADVL (acyl-CoA dehydrogenase very long chain; plus strand). Cytogenetic location: 17p13.1.
Variant type: Deletion.
Coding change: c.609del on transcript NM_000018.4 (MANE Select); coding-DNA position 609, one base deleted (C; older notation c.609delC).
Protein change: p.Lys204fs; shifts the reading frame from lysine 204.
Molecular consequence: frameshift variant.
Genome position (GRCh38, 1-based): chr17:7,221,669, C deleted; the last of 4 consecutive C bases (chr17:7,221,666-7,221,669); deleting any one gives the same sequence. VCF-style (leftmost placement, unchanged base first): chr17-7221665-TC-T. GRCh37 (hg19) VCF-style: chr17-7124984-TC-T.
Other names: c.543del, p.Lys182fs (NM_001033859.3); c.678del, p.Lys227fs (NM_001270447.2); c.381del, p.Lys128fs (NM_001270448.2); short protein forms K128fs, K204fs, K227fs, K182fs.
Identifiers: ClinVar variation 2099018 (VCV002099018.4), dbSNP rs2508285029, ClinGen allele CA2580094797.